The following is an entry in ClinVar:

ClinVar aggregate classification (germline): Uncertain significance (1 of 4 stars; one submission).

Submission:

CeGaT Center for Human Genetics Tuebingen
Classification: Uncertain significance. Last evaluated: 2026-04-01. Review status: criteria provided, single submitter. Criteria: CeGaT Center For Human Genetics Tuebingen Variant Classification Criteria Version 2. Collection method: clinical testing. Allele origin: germline. Affected: yes. Observed: 1 variant allele.
Comment: SGCE: PM2, BP4

NM_003919.3(SGCE):c.1253+836C>T

Genes: CASD1 (CAS1 domain sialic acid O acetyltransferase 1; plus strand), SGCE (sarcoglycan epsilon; minus strand). Cytogenetic location: 7q21.3.
Variant type: single nucleotide variant.
Coding change: c.1253+836C>T on transcript NM_003919.3 (MANE Select); 836 bases into the intron after coding-DNA position 1253, C replaced by T.
Molecular consequence: intron variant. On other transcripts: missense variant (1).
Genome position (GRCh38, 1-based): chr7:94,597,939, G>A on the plus strand (C>T on the coding strand, the complement: SGCE is on the minus strand). VCF-style: chr7-94597939-G-A. GRCh37 (hg19) VCF-style: chr7-94227251-G-A.
Other names: c.1319C>T, p.Pro440Leu (NM_001099401.2); c.1103+836C>T (NM_001362809.2); c.1130+836C>T (NM_001301139.2); c.1226+836C>T (NM_001346717.2, NM_001099400.2); c.1334+836C>T (NM_001346715.2); c.1361+836C>T (NM_001346713.2); c.1139+836C>T (NM_001362807.2); c.953+836C>T (NM_001362808.2); and 2 more; short protein forms P440L.
Identifiers: ClinVar variation 4872388 (VCV004872388.2).